The following is an entry in ClinVar:

ClinVar aggregate classification (germline): Likely pathogenic (1 of 4 stars; one submission).

Conditions:
X-linked cone-rod dystrophy 1 (CORDX1). Identifiers: Orphanet 1872, MedGen C1844776, MONDO:0010566, OMIM 304020.

Submission:

Institute of Human Genetics, University of Leipzig Medical Center
Classification: Likely pathogenic for X-linked cone-rod dystrophy 1. Last evaluated: 2025-10-23. Review status: criteria provided, single submitter. Criteria: ACMG Guidelines, 2015. Collection method: clinical testing. Allele origin: unknown. Inheritance: X-linked recessive inheritance. Affected: yes.
Comment: Criteria applied: PVS1,PM2_SUP

NM_001034853.2(RPGR):c.3155_3204dup (p.Tyr1069fs)

Gene: RPGR (retinitis pigmentosa GTPase regulator; minus strand). Cytogenetic location: Xp11.4.
Variant type: Duplication.
Coding change: c.3155_3204dup on transcript NM_001034853.2 (MANE Select); coding-DNA positions 3155 to 3204, 50 bases duplicated.
Protein change: p.Tyr1069fs; shifts the reading frame from tyrosine 1069.
Molecular consequence: frameshift variant. On other transcripts: intron variant (8).
Genome position (GRCh38, 1-based): chrX:38,285,795-38,285,844, 50 bases duplicated; duplicating any 50 consecutive bases within chrX:38,285,795-38,285,851 gives the same sequence; the c. name uses the placement nearest the transcript's 3' end. GRCh37 (hg19): chrX:38,145,055-38,145,104.
Other names: c.1569+5115_1569+5164dup (NM_001367249.1, NM_001367250.1); c.1902+1250_1902+1299dup (NM_001367245.1); c.1386+5115_1386+5164dup (NM_001367251.1); c.1719+1250_1719+1299dup (NM_001367246.1); c.1572+5115_1572+5164dup (NM_001367247.1); c.1905+1250_1905+1299dup (NM_000328.3); c.1602+5115_1602+5164dup (NM_001367248.1); short protein forms Y1069fs.
Identifiers: ClinVar variation 4530582 (VCV004530582.1).